The following is an entry in ClinVar:

ClinVar aggregate classification (germline): Conflicting classifications of pathogenicity. Review status: criteria provided, conflicting classifications (1 of 4 stars). 7 submissions from 7 submitters: Uncertain significance (4); Likely benign (2). 1 of the submissions does not count toward it. Last evaluated 2026-01-14.

Conditions:
Myofibrillar myopathy 5. Also called: Filaminopathy (type); FILAMINOPATHY, AUTOSOMAL DOMINANT. Identifiers: Orphanet 171445, MedGen C1836050, MONDO:0012289, OMIM 609524.
Hypertrophic cardiomyopathy 26. Also called: Cardiomyopathy, familial hypertrophic, 26. Identifiers: Orphanet 75249, MedGen C4310749, MONDO:0014883, OMIM 617047.
Distal myopathy with posterior leg and anterior hand involvement. Also called: WILLIAMS DISTAL MYOPATHY. Identifiers: Orphanet 63273, MedGen C3279722, MONDO:0013550, OMIM 614065.
FLNC-related disorder. Also called: FLNC-related condition; FLNC-related disorders.
Cardiovascular phenotype. Identifiers: MedGen CN230736.

Allele frequency attached by ClinVar (database versions not stated): gnomAD 0.00003; TOPMed 0.00004; gnomAD exomes 0.00006; ExAC 0.00011.
gnomAD v4.1: 34 of 1,613,396 alleles (0.0021%); highest among the groups gnomAD compares: Admixed American, 0.05%; no homozygotes.

Submissions (7):

PreventionGenetics, part of Exact Sciences
Classification: Uncertain significance for FLNC-related condition. Last evaluated: 2026-01-14. Review status: criteria provided, single submitter. Criteria: ACMG Guidelines, 2015. Collection method: clinical testing. Allele origin: germline.
Comment: The FLNC c.5377G>A variant is predicted to result in the amino acid substitution p.Val1793Met. To our knowledge, this variant has not been reported in the literature. This variant is reported in 0.045% of alleles in individuals of Latino descent in gnomAD. Although we suspect that this variant may be benign, at this time, the clinical significance of this variant is uncertain due to the absence of conclusive functional and genetic evidence.

Labcorp Genetics (formerly Invitae), Labcorp
Classification: Likely benign for Distal myopathy with posterior leg and anterior hand involvement; Myofibrillar myopathy 5; Hypertrophic cardiomyopathy 26. Last evaluated: 2025-11-20. Review status: criteria provided, single submitter. Criteria: Invitae Variant Classification Sherloc (09022015). Collection method: clinical testing. Allele origin: germline.

Women's Health and Genetics/Laboratory Corporation of America, LabCorp
Classification: Likely benign. Last evaluated: 2024-09-09. Review status: criteria provided, single submitter. Criteria: LabCorp Variant Classification Summary - May 2015. Collection method: clinical testing. Allele origin: germline.

Ambry Genetics
Classification: Uncertain significance for Cardiovascular phenotype. Last evaluated: 2023-08-29. Review status: criteria provided, single submitter. Criteria: Ambry Variant Classification Scheme 2023. Collection method: clinical testing. Allele origin: germline.
Comment: The p.V1793M variant (also known as c.5377G>A), located in coding exon 32 of the FLNC gene, results from a G to A substitution at nucleotide position 5377. The valine at codon 1793 is replaced by methionine, an amino acid with highly similar properties. This amino acid position is conserved. In addition, this alteration is predicted to be tolerated by in silico analysis. Since supporting evidence is limited at this time, the clinical significance of this alteration remains unclear.

Fulgent Genetics
Classification: Uncertain significance for Myofibrillar myopathy 5; Distal myopathy with posterior leg and anterior hand involvement; Hypertrophic cardiomyopathy 26. Last evaluated: 2021-09-08. Review status: criteria provided, single submitter. Criteria: ACMG Guidelines, 2015. Collection method: clinical testing. Allele origin: unknown.

Genetic Services Laboratory, University of Chicago
Classification: Uncertain significance. Last evaluated: 2013-11-05. Review status: criteria provided, single submitter. Criteria: ACMG Guidelines, 2007. Collection method: clinical testing. Allele origin: germline. Inheritance: Autosomal dominant inheritance.

Department of Pathology and Laboratory Medicine, Sinai Health System
Classification: Uncertain significance. Review status: no assertion criteria provided. Collection method: clinical testing. Allele origin: unknown. Affected: yes. Study: The Canadian Open Genetics Repository (COGR). Not counted in ClinVar's aggregate classification.
Comment: The FLNC p.Val1793Met variant was not identified in the literature nor was it identified in Cosmic or LOVD 3.0. The variant was identified in dbSNP (ID: rs587780337) and ClinVar (classified as a VUS by Genetic Services Laboratory, University of Chicago) The variant was also identified in control databases in 17 of 280620 chromosomes at a frequency of 0.000061 (Genome Aggregation Database Feb 27, 2017). The variant was observed in the following populations: Latino in 16 of 35362 chromosomes (freq: 0.000453) and Other in 1 of 7148 chromosomes (freq: 0.00014), while the variant was not observed in the African, Ashkenazi Jewish, East Asian, European (Finnish), European (non-Finnish) or South Asian populations. The variant occurs outside of the splicing consensus sequence and 3 of 4 in silico or computational prediction software programs (SpliceSiteFinder, MaxEntScan, NNSPLICE) do not predict a change in splicing at the variant location. The p.Val1793 residue is conserved in mammals and computational analyses (PolyPhen-2, SIFT, AlignGVGD, BLOSUM, MutationTaster) provide inconsistent predictions regarding the impact to the protein; this information is not very predictive of pathogenicity. In summary, based on the above information the clinical significance of this variant cannot be determined with certainty at this time. This variant is classified as a variant of uncertain significance.

NM_001458.5(FLNC):c.5377G>A (p.Val1793Met)

Genes: FLNC (filamin C; plus strand), FLNC-AS1 (FLNC antisense RNA 1; minus strand). Cytogenetic location: 7q32.1.
Variant type: single nucleotide variant.
Coding change: c.5377G>A on transcript NM_001458.5 (MANE Select); coding-DNA position 5377, G replaced by A.
Protein change: p.Val1793Met; replaces valine 1793 with methionine.
Molecular consequence: missense variant.
Genome position (GRCh38, 1-based): chr7:128,850,462, G>A. VCF-style: chr7-128850462-G-A. GRCh37 (hg19) VCF-style: chr7-128490516-G-A.
Other names: c.5278G>A, p.Val1760Met (NM_001127487.2); short protein forms V1793M, V1760M.
Identifiers: ClinVar variation 129092 (VCV000129092.20), dbSNP rs587780337, ClinGen allele CA231117.